The following is an entry in ClinVar:

ClinVar aggregate classification (germline): Uncertain significance (1 of 4 stars; one submission).

Conditions:
Inborn genetic diseases. Identifiers: MedGen C0950123, MeSH D030342.

Submission:

Ambry Genetics
Classification: Uncertain significance for Inborn genetic diseases. Last evaluated: 2018-03-06. Review status: criteria provided, single submitter. Criteria: Ambry Variant Classification Scheme 2023. Collection method: clinical testing. Allele origin: germline.
Comment: The p.G34V variant (also known as c.101G>T), located in coding exon 1 of the PNKP gene, results from a G to T substitution at nucleotide position 101. The glycine at codon 34 is replaced by valine, an amino acid with dissimilar properties. This amino acid position is highly conserved in available vertebrate species. In addition, this alteration is predicted to be deleterious by in silico analysis. Since supporting evidence is limited at this time, the clinical significance of this alteration remains unclear.

NM_007254.4(PNKP):c.101G>T (p.Gly34Val)

Gene: PNKP (polynucleotide kinase 3'-phosphatase; minus strand). Cytogenetic location: 19q13.33.
Variant type: single nucleotide variant.
Coding change: c.101G>T on transcript NM_007254.4 (MANE Select); coding-DNA position 101, G replaced by T.
Protein change: p.Gly34Val; replaces glycine 34 with valine.
Molecular consequence: missense variant.
Genome position (GRCh38, 1-based): chr19:49,867,104, C>A on the plus strand (G>T on the coding strand, the complement: PNKP is on the minus strand). VCF-style: chr19-49867104-C-A. GRCh37 (hg19) VCF-style: chr19-50370361-C-A.
Other names: short protein forms G34V.
Identifiers: ClinVar variation 1756544 (VCV001756544.2), dbSNP rs2514644066, ClinGen allele CA406893553.